The following is an entry in ClinVar:

NM_000419.5(ITGA2B):c.1028T>C (p.Leu343Pro)

Gene: ITGA2B (integrin subunit alpha 2b; minus strand). Cytogenetic location: 17q21.31.
Variant type: single nucleotide variant.
Coding change: c.1028T>C on transcript NM_000419.5 (MANE Select); coding-DNA position 1028, T replaced by C.
Protein change: p.Leu343Pro; replaces leucine 343 with proline.
Molecular consequence: missense variant.
Genome position (GRCh38, 1-based): chr17:44,383,675, A>G on the plus strand (T>C on the coding strand, the complement: ITGA2B is on the minus strand). VCF-style: chr17-44383675-A-G. GRCh37 (hg19) VCF-style: chr17-42461043-A-G.
Other names: short protein forms L343P.
Identifiers: ClinVar variation 953042 (VCV000953042.4), dbSNP rs1476448476, ClinGen allele CA399804619.

ClinVar aggregate classification (germline): Pathogenic (3 of 4 stars; one submission).

Conditions:
Glanzmann thrombasthenia. Also called: BLEEDING DISORDER, PLATELET-TYPE, 2; THROMBASTHENIA OF GLANZMANN AND NAEGELI; PLATELET GLYCOPROTEIN IIb-IIIa DEFICIENCY; Glanzmann's thrombasthenia; Thrombasthenia. Identifiers: Orphanet 849, MedGen C0040015, MONDO:0100326.

Submission:

ClinGen Platelet Disorders Variant Curation Expert Panel, ClinGen
Classification: Pathogenic for Glanzmann thrombasthenia. Last evaluated: 2023-05-16. Review status: reviewed by expert panel. Criteria: ClinGen Platelet ACMG Specifications v2-1. Collection method: curation. Allele origin: germline. Inheritance: Autosomal recessive inheritance.
Comment: The NM_000419.5(ITGA2B):c.1028T>C variant results in the missense change, Leu343Pro. The variant is absent from population databases, including gnomADv2.1.1 (PM2_supporting). It is predicted damaging by in-silico tools (REVEL score of 0.838l; PP3). It is reported in at least 4 probands (PMIDs: 36672149, 19691478, 34267460), two homozygous and two compound heterozygous individuals, one of whom the variant was seen in trans with the pathogenic variant, Leu973AlafsTer63 (PM3_strong). Patient 3 (PMID: 34267460) with this variant displayed mucocutaneous bleeding and impaired aggregation with all agonists except ristocetin, which is highly specific for Glanzmann thrombasthenia. Additionally, αIIbβ3 surface expression was reduced to <25%, as measured by flow cytometry(PP4_strong). In summary, this variant meets the criteria to be classified as Pathogenic for autosomal recessive Glanzmann Thrombasthenia based on the ACMG/AMP criteria applied, as specified by the ClinGen PD VCEP: PM2_supporting, PP3, PM3_strong, PP4_strong (VCEP specifications version 2).